The following is an entry in ClinVar:

NM_000051.4(ATM):c.8834T>A (p.Leu2945Gln)

Genes: ATM (ATM serine/threonine kinase; plus strand), C11orf65 (chromosome 11 open reading frame 65; minus strand). Cytogenetic location: 11q22.3.
Variant type: single nucleotide variant.
Coding change: c.8834T>A on transcript NM_000051.4 (MANE Select); coding-DNA position 8834, T replaced by A.
Protein change: p.Leu2945Gln; replaces leucine 2945 with glutamine.
Molecular consequence: missense variant. On other transcripts: intron variant (2).
Genome position (GRCh38, 1-based): chr11:108,354,858, T>A. VCF-style: chr11-108354858-T-A. GRCh37 (hg19) VCF-style: chr11-108225585-T-A.
Other names: c.8834T>A, p.Leu2945Gln (NM_001351834.2); c.640+31062A>T (NM_001330368.2); c.695-19566A>T (NM_001351110.2); short protein forms L2945Q.
Identifiers: ClinVar variation 1764822 (VCV001764822.2), dbSNP rs2137352443, ClinGen allele CA382526015.

ClinVar aggregate classification (germline): Uncertain significance (1 of 4 stars; one submission).

Conditions:
Hereditary cancer-predisposing syndrome. Also called: Hereditary neoplastic syndrome; Neoplastic Syndromes, Hereditary; Tumor predisposition; Hereditary Cancer Syndrome. Identifiers: Orphanet 140162, MedGen C0027672, MeSH D009386, MONDO:0015356.

Submission:

Ambry Genetics
Classification: Uncertain significance for Hereditary cancer-predisposing syndrome. Last evaluated: 2021-12-22. Review status: criteria provided, single submitter. Criteria: Ambry Variant Classification Scheme 2023. Collection method: clinical testing. Allele origin: germline.
Comment: The p.L2945Q variant (also known as c.8834T>A), located in coding exon 60 of the ATM gene, results from a T to A substitution at nucleotide position 8834. The leucine at codon 2945 is replaced by glutamine, an amino acid with dissimilar properties. This amino acid position is conserved. In addition, this alteration is predicted to be deleterious by in silico analysis. Since supporting evidence is limited at this time, the clinical significance of this alteration remains unclear.